The following is an entry in ClinVar:

ClinVar aggregate classification (germline): Uncertain significance (1 of 4 stars; one submission).

Conditions:
Early Myoclonic Encephalopathy. Identifiers: MedGen C0270855.

Submission:

Labcorp Genetics (formerly Invitae), Labcorp
Classification: Uncertain significance for Early Myoclonic Encephalopathy. Last evaluated: 2021-02-08. Review status: criteria provided, single submitter. Criteria: Invitae Variant Classification Sherloc (09022015). Collection method: clinical testing. Allele origin: germline.
Comment: In summary, the available evidence is currently insufficient to determine the role of this variant in disease. Therefore, it has been classified as a Variant of Uncertain Significance. Algorithms developed to predict the effect of missense changes on protein structure and function are either unavailable or do not agree on the potential impact of this missense change (SIFT: "Deleterious"; PolyPhen-2: "Probably Damaging"; Align-GVGD: "Class C0"). This variant has not been reported in the literature in individuals with JMJD1C-related conditions. This variant is not present in population databases (ExAC no frequency). This sequence change replaces threonine with serine at codon 1096 of the JMJD1C protein (p.Thr1096Ser). The threonine residue is highly conserved and there is a small physicochemical difference between threonine and serine.

NM_032776.3(JMJD1C):c.3286A>T (p.Thr1096Ser)

Gene: JMJD1C (jumonji domain containing 1C; minus strand). Cytogenetic location: 10q21.3.
Variant type: single nucleotide variant.
Coding change: c.3286A>T on transcript NM_032776.3 (MANE Select); coding-DNA position 3286, A replaced by T.
Protein change: p.Thr1096Ser; replaces threonine 1096 with serine.
Molecular consequence: missense variant. On other transcripts: non-coding transcript variant (1).
Genome position (GRCh38, 1-based): chr10:63,208,383, T>A on the plus strand (A>T on the coding strand, the complement: JMJD1C is on the minus strand). VCF-style: chr10-63208383-T-A. GRCh37 (hg19) VCF-style: chr10-64968143-T-A.
Other names: c.2740A>T, p.Thr914Ser (NM_001282948.2, NM_001318154.2); c.2422A>T, p.Thr808Ser (NM_001318153.2); c.3172A>T, p.Thr1058Ser (NM_001322252.2); c.2629A>T, p.Thr877Ser (NM_001322254.2, NM_001322258.2); short protein forms T1096S, T808S, T877S, T914S, T1058S.
Identifiers: ClinVar variation 1471658 (VCV001471658.8), dbSNP rs1032836369, ClinGen allele CA208372229.